The following is an entry in ClinVar:

ClinVar aggregate classification (germline): Uncertain significance. Review status: criteria provided, multiple submitters, no conflicts (2 of 4 stars). 2 submissions from 2 submitters: Uncertain significance (2). Last evaluated 2023-08-10.

Conditions:
Inborn genetic diseases. Identifiers: MedGen C0950123, MeSH D030342.

Allele frequency attached by ClinVar (database versions not stated): ExAC 0.00001; gnomAD exomes 0.00001; TOPMed 0.00001; ESP Exome Variant Server 0.00008.
gnomAD v4.1: 10 of 1,608,108 alleles (0.00062%); highest among the groups gnomAD compares: Non-Finnish European, 0.00076%; no homozygotes.

Submissions (2):

Ambry Genetics
Classification: Uncertain significance for Inborn genetic diseases. Last evaluated: 2023-08-10. Review status: criteria provided, single submitter. Criteria: Ambry Variant Classification Scheme 2023. Collection method: clinical testing. Allele origin: germline.

Labcorp Genetics (formerly Invitae), Labcorp
Classification: Uncertain significance. Last evaluated: 2022-03-17. Review status: criteria provided, single submitter. Criteria: Invitae Variant Classification Sherloc (09022015). Collection method: clinical testing. Allele origin: germline.
Comment: In summary, the available evidence is currently insufficient to determine the role of this variant in disease. Therefore, it has been classified as a Variant of Uncertain Significance. Algorithms developed to predict the effect of missense changes on protein structure and function are either unavailable or do not agree on the potential impact of this missense change (SIFT: "Not Available"; PolyPhen-2: "Possibly Damaging"; Align-GVGD: "Not Available"). This sequence change replaces proline, which is neutral and non-polar, with leucine, which is neutral and non-polar, at codon 453 of the USH1G protein (p.Pro453Leu). This variant is present in population databases (rs372580540, gnomAD 0.002%). This variant has not been reported in the literature in individuals affected with USH1G-related conditions.

NM_173477.5(USH1G):c.1358C>T (p.Pro453Leu)

Gene: USH1G (USH1 protein network component sans; minus strand). Cytogenetic location: 17q25.1.
Variant type: single nucleotide variant.
Coding change: c.1358C>T on transcript NM_173477.5 (MANE Select); coding-DNA position 1358, C replaced by T.
Protein change: p.Pro453Leu; replaces proline 453 with leucine.
Molecular consequence: missense variant.
Genome position (GRCh38, 1-based): chr17:74,919,478, G>A on the plus strand (C>T on the coding strand, the complement: USH1G is on the minus strand). VCF-style: chr17-74919478-G-A. GRCh37 (hg19) VCF-style: chr17-72915573-G-A.
Other names: c.1049C>T, p.Pro350Leu (NM_001282489.3); c.1358C>T (NM_173477.2); short protein forms P350L, P453L.
Identifiers: ClinVar variation 1922924 (VCV001922924.7), dbSNP rs372580540, ClinGen allele CA8753878.
Genomic context (GRCh38, chr17:74,919,478, plus strand): 5'-TGCTCCTCCATCCCCCCCGCCAGGCTGGACACTCACAGCTCTGTGTCCTCCAGGGCCGGC[G>A]GGCGCTCCATCGCCTGCCGCCGCCTCCTCACGGCCCCCAAGATCTTCTTTCGGGGCCCCA-3'
Protein context (NP_775748.2, residues 443-461): VRRRRQAMER[Pro453Leu]PALEDTEL